The following is an entry in ClinVar:

NM_001242896.3(DEPDC5):c.2823C>G (p.Phe941Leu)

Gene: DEPDC5 (DEP domain containing 5, GATOR1 subcomplex subunit; plus strand). Cytogenetic location: 22q12.3.
Variant type: single nucleotide variant.
Coding change: c.2823C>G on transcript NM_001242896.3 (MANE Select); coding-DNA position 2823, C replaced by G.
Protein change: p.Phe941Leu; replaces phenylalanine 941 with leucine.
Molecular consequence: missense variant. On other transcripts: non-coding transcript variant (5).
Genome position (GRCh38, 1-based): chr22:31,845,039, C>G. VCF-style: chr22-31845039-C-G. GRCh37 (hg19) VCF-style: chr22-32241025-C-G.
Other names: c.2796C>G, p.Phe932Leu (NM_001136029.4, NM_001369903.1, NM_014662.6); c.2589C>G, p.Phe863Leu (NM_001242897.2, NM_001363854.2, NM_001364319.2); c.2823C>G, p.Phe941Leu (NM_001363852.2, NM_001364318.2, NM_001364320.2); c.2739C>G, p.Phe913Leu (NM_001369901.1, NM_001369902.1); short protein forms F863L, F941L, F932L, F913L.
Identifiers: ClinVar variation 466476 (VCV000466476.10), dbSNP rs1555900811, ClinGen allele CA411290912.

ClinVar aggregate classification (germline): Uncertain significance (1 of 4 stars; one submission).

Conditions:
Familial focal epilepsy with variable foci (FPEVF). Identifiers: Orphanet 98820, MedGen C1858477, MONDO:0020310.

Submission:

Labcorp Genetics (formerly Invitae), Labcorp
Classification: Uncertain significance for Familial focal epilepsy with variable foci. Last evaluated: 2024-01-30. Review status: criteria provided, single submitter. Criteria: Invitae Variant Classification Sherloc (09022015). Collection method: clinical testing. Allele origin: germline.
Comment: This sequence change replaces phenylalanine, which is neutral and non-polar, with leucine, which is neutral and non-polar, at codon 941 of the DEPDC5 protein (p.Phe941Leu). This variant is not present in population databases (gnomAD no frequency). This variant has not been reported in the literature in individuals affected with DEPDC5-related conditions. ClinVar contains an entry for this variant (Variation ID: 466476). Experimental studies and prediction algorithms are not available or were not evaluated, and the functional significance of this variant is currently unknown. In summary, the available evidence is currently insufficient to determine the role of this variant in disease. Therefore, it has been classified as a Variant of Uncertain Significance.